The following is an entry in ClinVar:

ClinVar aggregate classification (germline): Uncertain significance. Review status: criteria provided, multiple submitters, no conflicts (2 of 4 stars). 2 submissions from 2 submitters: Uncertain significance (2). Last evaluated 2023-08-03.

Conditions:
GJA1-related disorder. Also called: GJA1-related condition.

Allele frequency attached by ClinVar (database versions not stated): gnomAD exomes below 0.00001; gnomAD 0.00001.
gnomAD v4.1: 7 of 1,613,152 alleles (0.00043%); highest among the groups gnomAD compares: East Asian, 0.0022%; no homozygotes.

Submissions (2):

GeneDx
Classification: Uncertain significance. Last evaluated: 2023-08-03. Review status: criteria provided, single submitter. Criteria: GeneDx Variant Classification Process June 2021. Collection method: clinical testing. Allele origin: germline. Affected: yes.
Comment: Not observed at significant frequency in large population cohorts (gnomAD); In silico analysis supports that this missense variant has a deleterious effect on protein structure/function; Has not been previously published as pathogenic or benign to our knowledge

PreventionGenetics, part of Exact Sciences
Classification: Uncertain significance for GJA1-related condition. Last evaluated: 2023-04-29. Review status: criteria provided, single submitter. Criteria: ACMG Guidelines, 2015. Collection method: clinical testing. Allele origin: germline.
Comment: The GJA1 c.1126C>T variant is predicted to result in the amino acid substitution p.Arg376Trp. To our knowledge, this variant has not been reported in the literature. This variant is reported in 0.0065% of alleles in individuals of African descent in gnomAD. At this time, the clinical significance of this variant is uncertain due to the absence of conclusive functional and genetic evidence.

NM_000165.5(GJA1):c.1126C>T (p.Arg376Trp)

Gene: GJA1 (gap junction protein alpha 1; plus strand). Cytogenetic location: 6q22.31.
Variant type: single nucleotide variant.
Coding change: c.1126C>T on transcript NM_000165.5 (MANE Select); coding-DNA position 1126, C replaced by T.
Protein change: p.Arg376Trp; replaces arginine 376 with tryptophan.
Molecular consequence: missense variant.
Genome position (GRCh38, 1-based): chr6:121,447,973, C>T. VCF-style: chr6-121447973-C-T. GRCh37 (hg19) VCF-style: chr6-121769119-C-T.
Other names: c.1126C>T (NM_000165.3); short protein forms R376W.
Identifiers: ClinVar variation 2633062 (VCV002633062.2), dbSNP rs1212579631, ClinGen allele CA365561198.